The following is an entry in ClinVar:

ClinVar aggregate classification (germline): Conflicting classifications of pathogenicity. Review status: criteria provided, conflicting classifications (1 of 4 stars). 3 submissions from 3 submitters: Uncertain significance (2); Likely benign (1). Last evaluated 2025-11-28.

Conditions:
Glycogen storage disease type X (GSD10). Also called: GSD X; MYOPATHY DUE TO PHOSPHOGLYCERATE MUTASE DEFICIENCY; PGAMM DEFICIENCY; PHOSPHOGLYCERATE MUTASE, MUSCLE, DEFICIENCY OF; Dimauro disease; Glycogen storage disease due to phosphoglycerate mutase deficiency. Identifiers: Orphanet 97234, MedGen C0268149, MONDO:0009865, OMIM 261670.
Inborn genetic diseases. Identifiers: MedGen C0950123, MeSH D030342.

Allele frequency attached by ClinVar (database versions not stated): TOPMed 0.00028.
gnomAD v4.1: 134 of 1,609,044 alleles (0.0083%); highest among the groups gnomAD compares: Admixed American, 0.22%; no homozygotes.

Submissions (3):

Labcorp Genetics (formerly Invitae), Labcorp
Classification: Likely benign for Glycogen storage disease type X. Last evaluated: 2025-11-28. Review status: criteria provided, single submitter. Criteria: Invitae Variant Classification Sherloc (09022015). Collection method: clinical testing. Allele origin: germline.

Ambry Genetics
Classification: Uncertain significance for Inborn genetic diseases. Last evaluated: 2021-09-16. Review status: criteria provided, single submitter. Criteria: Ambry Variant Classification Scheme 2023. Collection method: clinical testing. Allele origin: germline.

GeneDx
Classification: Uncertain significance. Last evaluated: 2018-03-07. Review status: criteria provided, single submitter. Criteria: GeneDx Variant Classification (06012015). Collection method: clinical testing. Allele origin: germline. Affected: yes.
Comment: The I171V variant in the PGAM2 gene has not been reported previously as a pathogenic variant, nor as a benign variant, to our knowledge. This variant is observed in 48/9832 (0.49%) alleles from individuals of Latino background in the ExAC dataset (Lek et al., 2016). The I171V variant is a conservative amino acid substitution, which is not likely to impact secondary protein structure as these residues share similar properties. This substitution occurs at a position that is conserved across species. In silico analysis is inconsistent in its predictions as to whether or not the variant is damaging to the protein structure/function. We interpret I171V as a variant of uncertain significance.

NM_000290.4(PGAM2):c.511A>G (p.Ile171Val)

Genes: DBNL (drebrin like; plus strand), PGAM2 (phosphoglycerate mutase 2; minus strand), LOC129998341 (ATAC-STARR-seq lymphoblastoid active region 25924; plus strand). Cytogenetic location: 7p13.
Variant type: single nucleotide variant.
Coding change: c.511A>G on transcript NM_000290.4 (MANE Select); coding-DNA position 511, A replaced by G.
Protein change: p.Ile171Val; replaces isoleucine 171 with valine.
Molecular consequence: missense variant. On other transcripts: 3 prime UTR variant (6).
Genome position (GRCh38, 1-based): chr7:44,064,916, T>C on the plus strand (A>G on the coding strand, the complement: PGAM2 is on the minus strand). VCF-style: chr7-44064916-T-C. GRCh37 (hg19) VCF-style: chr7-44104515-T-C.
Other names: c.*4000T>C (NM_001014436.3, NM_001122956.2, NM_001284313.2 and 3 more transcripts); short protein forms I171V.
Identifiers: ClinVar variation 432232 (VCV000432232.11), dbSNP rs372452057, ClinGen allele CA4236551.